The following is an entry in ClinVar:

NM_000465.4(BARD1):c.1685C>G (p.Thr562Ser)

Gene: BARD1 (BRCA1 associated RING domain 1; minus strand). Cytogenetic location: 2q35.
Variant type: single nucleotide variant.
Coding change: c.1685C>G on transcript NM_000465.4 (MANE Select); coding-DNA position 1685, C replaced by G.
Protein change: p.Thr562Ser; replaces threonine 562 with serine.
Molecular consequence: missense variant. On other transcripts: non-coding transcript variant (3), intron variant (1).
Genome position (GRCh38, 1-based): chr2:214,745,847, G>C on the plus strand (C>G on the coding strand, the complement: BARD1 is on the minus strand). VCF-style: chr2-214745847-G-C. GRCh37 (hg19) VCF-style: chr2-215610571-G-C.
Other names: c.1628C>G, p.Thr543Ser (NM_001282543.2); c.332C>G, p.Thr111Ser (NM_001282545.2); c.275C>G, p.Thr92Ser (NM_001282548.2); c.365-15339C>G (NM_001282549.2); short protein forms T92S, T111S, T543S, T562S.
Identifiers: ClinVar variation 819832 (VCV000819832.15), dbSNP rs730881420, ClinGen allele CA350453315.
Genomic context (GRCh38, chr2:214,745,847, plus strand): 5'-TGTTGTTCTGAAGACAGCCCACTGCCTATAAGTACAAGAGGTCCATCCCTACGCTGCCCA[G>C]TGTTCATCTGTTAATATAAAAGGAGATACCAGTGTTAAAAACATTAGACGACTAGACAAA-3'
Protein context (NP_000456.2, residues 552-572): SSASHCSVMN[Thr562Ser]GQRRDGPLVL

ClinVar aggregate classification (germline): Uncertain significance. Review status: criteria provided, multiple submitters, no conflicts (2 of 4 stars). 3 submissions from 3 submitters: Uncertain significance (3). Last evaluated 2025-05-04.

Conditions:
Familial cancer of breast. Also called: BREAST CANCER, FAMILIAL; Hereditary breast cancer; hereditary breast carcinoma. Identifiers: Orphanet 227535, MedGen C0346153, MONDO:0016419, OMIM 114480. Disease mechanism: loss of function.
Hereditary cancer-predisposing syndrome. Also called: Neoplastic Syndromes, Hereditary; Tumor predisposition; Hereditary Cancer Syndrome; Hereditary neoplastic syndrome. Identifiers: Orphanet 140162, MedGen C0027672, MeSH D009386, MONDO:0015356.

gnomAD v4.1: 1 of 1,613,972 alleles (0.000062%); highest among the groups gnomAD compares: East Asian, 0.0022%; no homozygotes.

Submissions (3):

Labcorp Genetics (formerly Invitae), Labcorp
Classification: Uncertain significance for Familial cancer of breast. Last evaluated: 2025-05-04. Review status: criteria provided, single submitter. Criteria: Invitae Variant Classification Sherloc (09022015). Collection method: clinical testing. Allele origin: germline.
Comment: This sequence change replaces threonine, which is neutral and polar, with serine, which is neutral and polar, at codon 562 of the BARD1 protein (p.Thr562Ser). This variant is present in population databases (no rsID available, gnomAD 0.006%). This variant has not been reported in the literature in individuals affected with BARD1-related conditions. ClinVar contains an entry for this variant (Variation ID: 819832). An algorithm developed to predict the effect of missense changes on protein structure and function outputs the following: PolyPhen-2: "Benign". The serine amino acid residue is found in multiple mammalian species, which suggests that this missense change does not adversely affect protein function. In summary, the available evidence is currently insufficient to determine the role of this variant in disease. Therefore, it has been classified as a Variant of Uncertain Significance.

Department of Pathology and Laboratory Medicine, Sinai Health System
Classification: Uncertain significance for Familial cancer of breast. Last evaluated: 2023-07-18. Review status: criteria provided, single submitter. Criteria: ACMG Guidelines, 2015. Collection method: clinical testing. Allele origin: germline. Affected: yes.

Ambry Genetics
Classification: Uncertain significance for Hereditary cancer-predisposing syndrome. Last evaluated: 2021-08-09. Review status: criteria provided, single submitter. Criteria: Ambry Variant Classification Scheme 2023. Collection method: clinical testing. Allele origin: germline.
Comment: The p.T562S variant (also known as c.1685C>G), located in coding exon 8 of the BARD1 gene, results from a C to G substitution at nucleotide position 1685. The threonine at codon 562 is replaced by serine, an amino acid with similar properties. This amino acid position is not well conserved in available vertebrate species. In addition, this alteration is predicted to be tolerated by in silico analysis. Since supporting evidence is limited at this time, the clinical significance of this alteration remains unclear.